The following is an entry in ClinVar:

NM_014297.5(ETHE1):c.2T>C (p.Met1Thr)

Genes: ETHE1 (ETHE1 persulfide dioxygenase; minus strand), LOC130064595 (ATAC-STARR-seq lymphoblastoid silent region 10721; plus strand). Cytogenetic location: 19q13.31.
Variant type: single nucleotide variant.
Coding change: c.2T>C on transcript NM_014297.5 (MANE Select); coding-DNA position 2, T replaced by C.
Protein change: p.Met1Thr; changes the start codon (methionine 1).
Molecular consequence: missense variant, initiator codon variant. On other transcripts: 5 prime UTR variant (1).
Genome position (GRCh38, 1-based): chr19:43,527,176, A>G on the plus strand (T>C on the coding strand, the complement: ETHE1 is on the minus strand). VCF-style: chr19-43527176-A-G. GRCh37 (hg19) VCF-style: chr19-44031328-A-G.
Other names: c.2T>C, p.Met1Thr (NM_001320867.2, NM_001320869.2); c.-219T>C (NM_001320868.2); c.2T>C (NM_014297.4); short protein forms M1T.
Identifiers: ClinVar variation 632313 (VCV000632313.12), dbSNP rs1470124674, ClinGen allele CA406182597.
Genomic context (GRCh38, chr19:43,527,176, plus strand): 5'-GCTCCAGACCCGCCGCGCTGGCTCAGCTGCCGCCGGGCGACCCTCAGTACAGCCTCCGCC[A>G]TCGCGCCCACTGCGGGGTCAGGAATGAGCGGAGGCCGAGCGCCTGCAGGAGCCGGGCGCT-3'
Protein context (NP_055112.2, residues 1-11): [Met1Thr]AEAVLRVARR

ClinVar aggregate classification (germline): Pathogenic/Likely pathogenic. Review status: criteria provided, multiple submitters, no conflicts (2 of 4 stars). 4 submissions from 4 submitters: Pathogenic (2); Likely pathogenic (2). Last evaluated 2024-06-24.

Conditions:
Ethylmalonic encephalopathy (EE). Also called: EPEMA syndrome; Encephalopathy, petechiae, and ethylmalonic aciduria; Syndrome of encephalopathy, petechiae, and ethylmalonic aciduria. Identifiers: Orphanet 51188, MedGen C1865349, MONDO:0011229, OMIM 602473. Disease mechanism: loss of function.

Allele frequency attached by ClinVar (database versions not stated): gnomAD exomes below 0.00001 and 0.00002; TOPMed 0.00001.

Submissions (4):

Fulgent Genetics
Classification: Pathogenic for Ethylmalonic encephalopathy. Last evaluated: 2024-06-24. Review status: criteria provided, single submitter. Criteria: ACMG Guidelines, 2015. Collection method: clinical testing. Allele origin: germline.

Natera, Inc.
Classification: Likely pathogenic for Ethylmalonic encephalopathy. Last evaluated: 2024-05-17. Review status: criteria provided, single submitter. Criteria: Natera Variant Classification Schema (03/2026). Collection method: clinical testing. Allele origin: germline.
Comment: The c.2T>C variant in ETHE1 is predicted to result in start loss due to disruption of the initiator methionine. This variant is expected to result in nonsense mediated decay, truncation, or a dysfunctional protein product. This variant is rare in the general population with a frequency below the threshold expected for the associated phenotype(s). Given the available evidence, this variant is classified as Likely Pathogenic.

Labcorp Genetics (formerly Invitae), Labcorp
Classification: Pathogenic for Ethylmalonic encephalopathy. Last evaluated: 2024-02-17. Review status: criteria provided, single submitter. Criteria: Invitae Variant Classification Sherloc (09022015). Collection method: clinical testing. Allele origin: germline.
Comment: This sequence change affects the initiator methionine of the ETHE1 mRNA. The next in-frame methionine is located at codon 28. This variant is present in population databases (no rsID available, gnomAD 0.01%). Disruption of the initiator codon has been observed in individual(s) with ethylmalonic encephalopathy (PMID: 14732903, 25058219, 30298498, 32923369). In at least one individual the data is consistent with being in trans (on the opposite chromosome) from a pathogenic variant. ClinVar contains an entry for this variant (Variation ID: 632313). Studies have shown that disruption of the initiator codon alters ETHE1 gene expression (PMID: 32923369). For these reasons, this variant has been classified as Pathogenic.

Women's Health and Genetics/Laboratory Corporation of America, LabCorp
Classification: Likely pathogenic for Ethylmalonic encephalopathy. Last evaluated: 2023-03-15. Review status: criteria provided, single submitter. Criteria: LabCorp Variant Classification Summary - May 2015. Collection method: clinical testing. Allele origin: germline.
Comment: Variant summary: ETHE1 c.2T>C (p.Met1Thr) alters the initiation codon and is predicted to result either in absence of the protein or truncation of the encoded protein due to translation initiation at a downstream codon. An alternative downstream in-frame start codon (p.Met28) is located in exon 2 of the encoded protein. Two of two in-silico tools predict a damaging effect of the variant on protein function. The variant allele was found at a frequency of 1.5e-05 in 132628 control chromosomes (gnomAD). To our knowledge, no occurrence of c.2T>C in individuals affected with Ethylmalonic Encephalopathy and no experimental evidence demonstrating its impact on protein function have been reported. Other start loss variants (c.3G>T /c.2T>A) have been classified pathogenic in ClinVar (IDs: 2318, 2152319). One clinical diagnostic laboratory has submitted clinical-significance assessments for this variant to ClinVar after 2014 and classified the variant as uncertain significance. Based on the evidence outlined above, the variant was classified as likely pathogenic.

Literature cited by the submitters: PubMed 14732903 (cited by Labcorp Genetics (formerly Invitae), Labcorp); PubMed 25058219 (cited by Labcorp Genetics (formerly Invitae), Labcorp); PubMed 30298498 (cited by Labcorp Genetics (formerly Invitae), Labcorp); PubMed 32923369 (cited by Labcorp Genetics (formerly Invitae), Labcorp).